The following is an entry in ClinVar:

NM_000553.6(WRN):c.3361G>T (p.Gly1121Trp)

Gene: WRN (WRN RecQ like helicase; plus strand). Cytogenetic location: 8p12.
Variant type: single nucleotide variant.
Coding change: c.3361G>T on transcript NM_000553.6 (MANE Select); coding-DNA position 3361, G replaced by T.
Protein change: p.Gly1121Trp; replaces glycine 1121 with tryptophan.
Molecular consequence: missense variant.
Genome position (GRCh38, 1-based): chr8:31,143,601, G>T. VCF-style: chr8-31143601-G-T. GRCh37 (hg19) VCF-style: chr8-31001117-G-T.
Other names: short protein forms G1121W.
Identifiers: ClinVar variation 1353946 (VCV001353946.6), dbSNP rs2130427081, ClinGen allele CA370924146.
Genomic context (GRCh38, chr8:31,143,601, plus strand): 5'-TAAATGCAGTCTAACTTGGAGAAGTTATATTCTTATAAACCATGTGATAAGATTTCTTCT[G>T]GGAGTAACATTTCTAAAAAAAGGTACAGAGTTCCATATTTCTATGTTCTATACTTGCTTT-3'
Protein context (NP_000544.2, residues 1111-1131): SYKPCDKISS[Gly1121Trp]SNISKKSIMV

ClinVar aggregate classification (germline): Uncertain significance (1 of 4 stars; one submission).

Conditions:
Werner syndrome (WRN). Identifiers: Orphanet 902, MedGen C0043119, MONDO:0010196, OMIM 277700.

Submission:

Labcorp Genetics (formerly Invitae), Labcorp
Classification: Uncertain significance for Werner syndrome. Last evaluated: 2021-05-16. Review status: criteria provided, single submitter. Criteria: Invitae Variant Classification Sherloc (09022015). Collection method: clinical testing. Allele origin: germline.
Comment: In summary, the available evidence is currently insufficient to determine the role of this variant in disease. Therefore, it has been classified as a Variant of Uncertain Significance. Algorithms developed to predict the effect of missense changes on protein structure and function are either unavailable or do not agree on the potential impact of this missense change (SIFT: "Not Available"; PolyPhen-2: "Benign"; Align-GVGD: "Not Available"). This variant has not been reported in the literature in individuals with WRN-related conditions. This variant is not present in population databases (ExAC no frequency). This sequence change replaces glycine with tryptophan at codon 1121 of the WRN protein (p.Gly1121Trp). The glycine residue is weakly conserved and there is a large physicochemical difference between glycine and tryptophan.